The following is an entry in ClinVar:

NM_001099922.3(ALG13):c.3022C>G (p.Gln1008Glu)

Gene: ALG13 (ALG13 UDP-N-acetylglucosaminyltransferase subunit; plus strand). Cytogenetic location: Xq23.
Variant type: single nucleotide variant.
Coding change: c.3022C>G on transcript NM_001099922.3 (MANE Select); coding-DNA position 3022, C replaced by G.
Protein change: p.Gln1008Glu; replaces glutamine 1008 with glutamic acid.
Molecular consequence: missense variant. On other transcripts: non-coding transcript variant (1).
Genome position (GRCh38, 1-based): chrX:111,757,636, C>G. VCF-style: chrX-111757636-C-G. GRCh37 (hg19) VCF-style: chrX-111000864-C-G.
Other names: c.2785C>G, p.Gln929Glu (NM_001324292.2); c.2299C>G, p.Gln767Glu (NM_001324293.1); c.2473C>G, p.Gln825Glu (NM_001257230.2, NM_001257234.2, NM_001257237.2); c.2788C>G, p.Gln930Glu (NM_001257231.2); short protein forms Q1008E, Q767E, Q825E, Q929E, Q930E.
Identifiers: ClinVar variation 3621030 (VCV003621030.2).

ClinVar aggregate classification (germline): Uncertain significance (1 of 4 stars; one submission).

Conditions:
Developmental and epileptic encephalopathy, 36 (DEE36). Also called: Congenital disorder of glycosylation, type Is; ALG13-CDG; Epileptic encephalopathy, early infantile, 36. Identifiers: Orphanet 324422, MedGen C4317295, MONDO:0010472, OMIM 300884.

gnomAD v4.1: 2 of 1,205,828 alleles (0.00017%); highest among the groups gnomAD compares: African/African-American, 0.0035%; no homozygotes.

Submission:

Labcorp Genetics (formerly Invitae), Labcorp
Classification: Uncertain significance for Developmental and epileptic encephalopathy, 36. Last evaluated: 2024-01-05. Review status: criteria provided, single submitter. Criteria: Invitae Variant Classification Sherloc (09022015). Collection method: clinical testing. Allele origin: germline.
Comment: This sequence change replaces glutamine, which is neutral and polar, with glutamic acid, which is acidic and polar, at codon 1008 of the ALG13 protein (p.Gln1008Glu). The frequency data for this variant in the population databases is considered unreliable, as metrics indicate poor data quality at this position in the gnomAD database. This variant has not been reported in the literature in individuals affected with ALG13-related conditions. An algorithm developed to predict the effect of missense changes on protein structure and function (PolyPhen-2) suggests that this variant is likely to be tolerated. In summary, the available evidence is currently insufficient to determine the role of this variant in disease. Therefore, it has been classified as a Variant of Uncertain Significance.